The following is an entry in ClinVar:

NM_004947.5(DOCK3):c.5341TTG[1] (p.Leu1783del)

Gene: DOCK3 (dedicator of cytokinesis 3; plus strand). Cytogenetic location: 3p21.2.
Variant type: Microsatellite.
Coding change: c.5341TTG[1] on transcript NM_004947.5 (MANE Select); one copy of the 3-base unit TTG starting at c.5341; the reference has two copies in a row; one copy, 3 bases deleted.
Protein change: p.Leu1783del; deletes leucine 1783.
Molecular consequence: inframe deletion.
Genome position (GRCh38, 1-based): chr3:51,374,519-51,374,521, TTG deleted; deleting any 3 consecutive bases within chr3:51,374,514-51,374,521 gives the same sequence; the position shown is the placement nearest the transcript's 3' end. VCF-style (leftmost placement, unchanged base first): chr3-51374513-ATGT-A. GRCh37 (hg19) VCF-style: chr3-51411944-ATGT-A.
Other names: c.5344_5346delTTG (NM_004947.4); short protein forms L1783del.
Identifiers: ClinVar variation 2653868 (VCV002653868.25), dbSNP rs548892600, ClinGen allele CA2422006.

ClinVar aggregate classification (germline): Likely benign. Review status: criteria provided, single submitter (1 of 4 stars). 2 submissions from 2 submitters: Likely benign (1). 1 of the submissions does not count toward it. Last evaluated 2026-07-01.

Conditions:
DOCK3-related disorder. Also called: DOCK3-related condition.

Submissions (2):

CeGaT Center for Human Genetics Tuebingen
Classification: Likely benign. Last evaluated: 2026-07-01. Review status: criteria provided, single submitter. Criteria: CeGaT Center For Human Genetics Tuebingen Variant Classification Criteria Version 2. Collection method: clinical testing. Allele origin: germline. Affected: yes. Observed: 9 variant alleles.
Comment: DOCK3: PM4:Supporting, BS2

PreventionGenetics, part of Exact Sciences
Classification: Likely benign for DOCK3-related condition. Last evaluated: 2022-07-18. Review status: no assertion criteria provided. Collection method: clinical testing. Allele origin: germline. Not counted in ClinVar's aggregate classification.
Comment: This variant is classified as likely benign based on ACMG/AMP sequence variant interpretation guidelines (Richards et al. 2015 PMID: 25741868, with internal and published modifications).